The following is an entry in ClinVar:

NM_017654.4(SAMD9):c.1163A>C (p.Glu388Ala)

Gene: SAMD9 (sterile alpha motif domain containing 9; minus strand). Cytogenetic location: 7q21.2.
Variant type: single nucleotide variant.
Coding change: c.1163A>C on transcript NM_017654.4 (MANE Select); coding-DNA position 1163, A replaced by C.
Protein change: p.Glu388Ala; replaces glutamic acid 388 with alanine.
Molecular consequence: missense variant.
Genome position (GRCh38, 1-based): chr7:93,104,935, T>G on the plus strand (A>C on the coding strand, the complement: SAMD9 is on the minus strand). VCF-style: chr7-93104935-T-G. GRCh37 (hg19) VCF-style: chr7-92734248-T-G.
Other names: c.1163A>C, p.Glu388Ala (NM_001193307.2); short protein forms E388A.
Identifiers: ClinVar variation 4824706 (VCV004824706.1).

ClinVar aggregate classification (germline): Uncertain significance (1 of 4 stars; one submission).

Conditions:
Inborn genetic diseases. Identifiers: MedGen C0950123, MeSH D030342.

Submission:

Ambry Genetics
Classification: Uncertain significance for Inborn genetic diseases. Last evaluated: 2026-02-16. Review status: criteria provided, single submitter. Criteria: Ambry Variant Classification Scheme 2023. Collection method: clinical testing. Allele origin: germline.
Comment: The p.E388A variant (also known as c.1163A>C), located in coding exon 1 of the SAMD9 gene, results from an A to C substitution at nucleotide position 1163. The glutamic acid at codon 388 is replaced by alanine, an amino acid with dissimilar properties. This amino acid position is conserved. In addition, this alteration is predicted to be tolerated by in silico analysis. Based on the available evidence, the clinical significance of this variant remains unclear.